The following is an entry in ClinVar:

ClinVar aggregate classification (germline): Uncertain significance (1 of 4 stars; one submission).

gnomAD v4.1: 24 of 1,610,190 alleles (0.0015%); highest among the groups gnomAD compares: Middle Eastern, 0.017%; no homozygotes.

Submission:

Ambry Genetics
Classification: Uncertain significance. Last evaluated: 2025-03-02. Review status: criteria provided, single submitter. Criteria: Ambry Variant Classification Scheme 2023. Collection method: clinical testing. Allele origin: germline.
Comment: The p.D1272N variant (also known as c.3814G>A), located in coding exon 16 of the WNK2 gene, results from a G to A substitution at nucleotide position 3814. The aspartic acid at codon 1272 is replaced by asparagine, an amino acid with highly similar properties. This amino acid position is conserved. In addition, this alteration is predicted to be tolerated by in silico analysis. Based on the available evidence, the clinical significance of this variant remains unclear.

NM_006648.4(WNK2):c.3814G>A (p.Asp1272Asn)

Gene: WNK2 (WNK lysine deficient protein kinase 2; plus strand). Cytogenetic location: 9q22.31.
Variant type: single nucleotide variant.
Coding change: c.3814G>A on transcript NM_006648.4 (MANE Select); coding-DNA position 3814, G replaced by A.
Protein change: p.Asp1272Asn; replaces aspartic acid 1272 with asparagine.
Molecular consequence: missense variant.
Genome position (GRCh38, 1-based): chr9:93,267,863, G>A. VCF-style: chr9-93267863-G-A. GRCh37 (hg19) VCF-style: chr9-96030145-G-A.
Other names: c.3814G>A, p.Asp1272Asn (NM_001282394.3); short protein forms D1272N.
Identifiers: ClinVar variation 3817203 (VCV003817203.1).
Genomic context (GRCh38, chr9:93,267,863, plus strand): 5'-GATGTCATGGACAAGGCAGAGGACATGCTCAGCGAGGACACAGACGCCGACCGTGGCTCC[G>A]ACCCAGGGACCAGCCCGCCACACCTCAGCACCTGCGGCCTGGGCACCGGGGAGGTGAGGT-3'
Protein context (NP_006639.3, residues 1262-1282): SEDTDADRGS[Asp1272Asn]PGTSPPHLST